The following is an entry in ClinVar:

ClinVar aggregate classification (germline): Uncertain significance. Review status: criteria provided, single submitter (1 of 4 stars). 2 submissions from 2 submitters: Uncertain significance (1). 1 of the submissions does not count toward it. Last evaluated 2025-06-12.

Conditions:
Senior-Loken syndrome 7 (SLSN7). Identifiers: Orphanet 3156, MedGen C3150877, MONDO:0013326, OMIM 613615.
Bardet-Biedl syndrome 16 (BBS16). Identifiers: Orphanet 110, MedGen C3889474, MONDO:0014444, OMIM 615993.
SDCCAG8-related disorder. Also called: SDCCAG8-related condition; SDCCAG8-Related Disorders.

Allele frequency attached by ClinVar (database versions not stated): gnomAD 0.00001; ExAC 0.00002; gnomAD exomes 0.00002 and 0.00003; TOPMed 0.00002; ESP Exome Variant Server 0.00008.
gnomAD v4.1: 46 of 1,614,062 alleles (0.0028%); highest among the groups gnomAD compares: Non-Finnish European, 0.0037%; no homozygotes.

Submissions (2):

Labcorp Genetics (formerly Invitae), Labcorp
Classification: Uncertain significance for Bardet-Biedl syndrome 16; Senior-Loken syndrome 7. Last evaluated: 2025-06-12. Review status: criteria provided, single submitter. Criteria: Invitae Variant Classification Sherloc (09022015). Collection method: clinical testing. Allele origin: germline.
Comment: This sequence change replaces serine, which is neutral and polar, with phenylalanine, which is neutral and non-polar, at codon 317 of the SDCCAG8 protein (p.Ser317Phe). This variant is present in population databases (rs368258515, gnomAD 0.005%). This variant has not been reported in the literature in individuals affected with SDCCAG8-related conditions. ClinVar contains an entry for this variant (Variation ID: 956666). Invitae Evidence Modeling of protein sequence and biophysical properties (such as structural, functional, and spatial information, amino acid conservation, physicochemical variation, residue mobility, and thermodynamic stability) indicates that this missense variant is not expected to disrupt SDCCAG8 protein function with a negative predictive value of 80%. In summary, the available evidence is currently insufficient to determine the role of this variant in disease. Therefore, it has been classified as a Variant of Uncertain Significance.

PreventionGenetics, part of Exact Sciences
Classification: Uncertain significance for SDCCAG8-related condition. Last evaluated: 2024-03-05. Review status: no assertion criteria provided. Collection method: clinical testing. Allele origin: germline. Not counted in ClinVar's aggregate classification.
Comment: The SDCCAG8 c.950C>T variant is predicted to result in the amino acid substitution p.Ser317Phe. To our knowledge, this variant has not been reported in the literature. This variant is reported in 0.0046% of alleles in individuals of European (Non-Finnish) descent in gnomAD. At this time, the clinical significance of this variant is uncertain due to the absence of conclusive functional and genetic evidence.

NM_006642.5(SDCCAG8):c.950C>T (p.Ser317Phe)

Gene: SDCCAG8 (SHH signaling and ciliogenesis regulator SDCCAG8; plus strand). Cytogenetic location: 1q43.
Variant type: single nucleotide variant.
Coding change: c.950C>T on transcript NM_006642.5 (MANE Select); coding-DNA position 950, C replaced by T.
Protein change: p.Ser317Phe; replaces serine 317 with phenylalanine.
Molecular consequence: missense variant.
Genome position (GRCh38, 1-based): chr1:243,316,775, C>T. VCF-style: chr1-243316775-C-T. GRCh37 (hg19) VCF-style: chr1-243480077-C-T.
Other names: c.47C>T, p.Ser16Phe (NM_001350246.2, NM_001350247.2, NM_001350251.2); c.1046C>T, p.Ser349Phe (NM_001350248.2); c.656C>T, p.Ser219Phe (NM_001350249.2); short protein forms S349F, S16F, S219F, S317F.
Identifiers: ClinVar variation 956666 (VCV000956666.8), dbSNP rs368258515, ClinGen allele CA1483499.